The following is an entry in ClinVar:

NM_001035.3(RYR2):c.4184C>T (p.Pro1395Leu)

Gene: RYR2 (ryanodine receptor 2; plus strand). Cytogenetic location: 1q43.
Variant type: single nucleotide variant.
Coding change: c.4184C>T on transcript NM_001035.3 (MANE Select); coding-DNA position 4184, C replaced by T.
Protein change: p.Pro1395Leu; replaces proline 1395 with leucine.
Molecular consequence: missense variant.
Genome position (GRCh38, 1-based): chr1:237,591,762, C>T. VCF-style: chr1-237591762-C-T. GRCh37 (hg19) VCF-style: chr1-237755062-C-T.
Other names: short protein forms P1395L.
Identifiers: ClinVar variation 4756262 (VCV004756262.1).
Genomic context (GRCh38, chr1:237,591,762, plus strand): 5'-TAATGTTGCTTATTGTTAGTCCTCTGAAATATTTCAGATTTTTGCTTAGAAGAACAAAGC[C>T]AGATTACAGCACAAGCCATTCTGCAAGACTCACCGAAGATGTCCTTGCTGATGATCGGGA-3'
Protein context (NP_001026.2, residues 1385-1405): KQRFLLRRTK[Pro1395Leu]DYSTSHSARL

ClinVar aggregate classification (germline): Uncertain significance (1 of 4 stars; one submission).

Conditions:
Cardiomyopathy (CMYO). Also called: Cardiomyopathies. Identifiers: Orphanet 167848, MedGen C0878544, MONDO:0004994, HP:0001638. Inheritance: Various modes of inheritance.

Submission:

Color Diagnostics, LLC DBA Color Health
Classification: Uncertain significance for Cardiomyopathy. Last evaluated: 2025-09-01. Review status: criteria provided, single submitter. Criteria: ACMG Guidelines, 2015. Collection method: clinical testing. Allele origin: germline.
Comment: This missense variant replaces proline with leucine at codon 1395 of the RYR2 protein. Computational prediction is inconclusive regarding the impact of this variant on protein structure and function. To our knowledge, functional studies have not been reported for this variant. This variant has not been reported in individuals affected with RYR2-related disorders in the literature. This variant has not been identified in the general population by the Genome Aggregation Database (gnomAD). The available evidence is insufficient to determine the role of this variant in disease conclusively. Therefore, this variant is classified as a Variant of Uncertain Significance.